The following is an entry in ClinVar:

NM_006904.7(PRKDC):c.9982A>G (p.Ile3328Val)

Gene: PRKDC (protein kinase, DNA-activated, catalytic subunit; minus strand). Cytogenetic location: 8q11.21.
Variant type: single nucleotide variant.
Coding change: c.9982A>G on transcript NM_006904.7 (MANE Select); coding-DNA position 9982, A replaced by G.
Protein change: p.Ile3328Val; replaces isoleucine 3328 with valine.
Molecular consequence: missense variant.
Genome position (GRCh38, 1-based): chr8:47,800,927, T>C on the plus strand (A>G on the coding strand, the complement: PRKDC is on the minus strand). VCF-style: chr8-47800927-T-C. GRCh37 (hg19) VCF-style: chr8-48713488-T-C.
Other names: c.9982A>G, p.Ile3328Val (NM_001081640.2); short protein forms I3328V.
Identifiers: ClinVar variation 943550 (VCV000943550.5), dbSNP rs752730508, ClinGen allele CA4739424.

ClinVar aggregate classification (germline): Uncertain significance. Review status: criteria provided, multiple submitters, no conflicts (2 of 4 stars). 2 submissions from 2 submitters: Uncertain significance (2). Last evaluated 2024-06-24.

Conditions:
Severe combined immunodeficiency due to DNA-PKcs deficiency. Also called: Immunodeficiency 26 with or without neurologic abnormalities; IMMUNODEFICIENCY 26 WITH NEUROLOGIC ABNORMALITIES. Identifiers: Orphanet 317425, MedGen C4014833, MONDO:0014423, OMIM 615966.

Allele frequency attached by ClinVar (database versions not stated): gnomAD 0.00001; gnomAD exomes 0.00002 and 0.00004; TOPMed 0.00002; ExAC 0.00008.
gnomAD v4.1: 35 of 1,613,918 alleles (0.0022%); highest among the groups gnomAD compares: East Asian, 0.076%; no homozygotes.

Submissions (2):

Labcorp Genetics (formerly Invitae), Labcorp
Classification: Uncertain significance for Severe combined immunodeficiency due to DNA-PKcs deficiency. Last evaluated: 2024-06-24. Review status: criteria provided, single submitter. Criteria: Invitae Variant Classification Sherloc (09022015). Collection method: clinical testing. Allele origin: germline.
Comment: This sequence change replaces isoleucine, which is neutral and non-polar, with valine, which is neutral and non-polar, at codon 3328 of the PRKDC protein (p.Ile3328Val). The frequency data for this variant in the population databases is considered unreliable, as metrics indicate poor data quality at this position in the gnomAD database. This variant has not been reported in the literature in individuals affected with PRKDC-related conditions. ClinVar contains an entry for this variant (Variation ID: 943550). Advanced modeling of protein sequence and biophysical properties (such as structural, functional, and spatial information, amino acid conservation, physicochemical variation, residue mobility, and thermodynamic stability) performed at Invitae indicates that this missense variant is not expected to disrupt PRKDC protein function with a negative predictive value of 80%. In summary, the available evidence is currently insufficient to determine the role of this variant in disease. Therefore, it has been classified as a Variant of Uncertain Significance.

Breakthrough Genomics
Classification: Uncertain significance. Review status: criteria provided, single submitter. Criteria: ACMG Guidelines, 2015. Collection method: not provided. Allele origin: germline. Inheritance: Autosomal recessive inheritance. Affected: yes.